The following is an entry in ClinVar:

NM_178170.3(NEK8):c.1723G>T (p.Ala575Ser)

Gene: NEK8 (NIMA related kinase 8; plus strand). Cytogenetic location: 17q11.2.
Variant type: single nucleotide variant.
Coding change: c.1723G>T on transcript NM_178170.3 (MANE Select); coding-DNA position 1723, G replaced by T.
Protein change: p.Ala575Ser; replaces alanine 575 with serine.
Molecular consequence: missense variant.
Genome position (GRCh38, 1-based): chr17:28,740,976, G>T. VCF-style: chr17-28740976-G-T. GRCh37 (hg19) VCF-style: chr17-27067994-G-T.
Other names: short protein forms A575S.
Identifiers: ClinVar variation 2473098 (VCV002473098.3), dbSNP rs745898957, ClinGen allele CA8467506.
Genomic context (GRCh38, chr17:28,740,976, plus strand): 5'-TCTGCACCCCTGGACCAGGAGCCTCTGCTGAGTATAGACCTGGGCACTGCTCACTCAGCT[G>T]CTGTGACTGGTGAGGAGGACTTGGGCTCTGGAGGTCAGAGGGGGACTCACGGTCTCCTTG-3'
Protein context (NP_835464.1, residues 565-585): SIDLGTAHSA[Ala575Ser]VTASGDCYTF

ClinVar aggregate classification (germline): Uncertain significance. Review status: criteria provided, multiple submitters, no conflicts (2 of 4 stars). 2 submissions from 2 submitters: Uncertain significance (2). Last evaluated 2025-06-10.

Conditions:
Inborn genetic diseases. Identifiers: MedGen C0950123, MeSH D030342.
Nephronophthisis 9 (NPHP9). Identifiers: Orphanet 655, MedGen C3151188, MONDO:0013444, OMIM 613824.

Allele frequency attached by ClinVar (database versions not stated): ExAC 0.00001.
gnomAD v4.1: 12 of 1,614,154 alleles (0.00074%); highest among the groups gnomAD compares: Non-Finnish European, 0.001%; no homozygotes.

Submissions (2):

Labcorp Genetics (formerly Invitae), Labcorp
Classification: Uncertain significance for Nephronophthisis 9. Last evaluated: 2025-06-10. Review status: criteria provided, single submitter. Criteria: Invitae Variant Classification Sherloc (09022015). Collection method: clinical testing. Allele origin: germline.
Comment: This sequence change replaces alanine, which is neutral and non-polar, with serine, which is neutral and polar, at codon 575 of the NEK8 protein (p.Ala575Ser). This variant is present in population databases (rs745898957, gnomAD no frequency). This variant has not been reported in the literature in individuals affected with NEK8-related conditions. ClinVar contains an entry for this variant (Variation ID: 2473098). An algorithm developed to predict the effect of missense changes on protein structure and function (PolyPhen-2) suggests that this variant is likely to be disruptive. In summary, the available evidence is currently insufficient to determine the role of this variant in disease. Therefore, it has been classified as a Variant of Uncertain Significance.

Ambry Genetics
Classification: Uncertain significance for Inborn genetic diseases. Last evaluated: 2023-02-27. Review status: criteria provided, single submitter. Criteria: Ambry Variant Classification Scheme 2023. Collection method: clinical testing. Allele origin: germline.